The following is an entry in ClinVar:

NM_000303.3(PMM2):c.658A>G (p.Ile220Val)

Gene: PMM2 (phosphomannomutase 2; plus strand). Cytogenetic location: 16p13.2.
Variant type: single nucleotide variant.
Coding change: c.658A>G on transcript NM_000303.3 (MANE Select); coding-DNA position 658, A replaced by G.
Protein change: p.Ile220Val; replaces isoleucine 220 with valine.
Molecular consequence: missense variant.
Genome position (GRCh38, 1-based): chr16:8,847,742, A>G. VCF-style: chr16-8847742-A-G. GRCh37 (hg19) VCF-style: chr16-8941599-A-G.
Other names: short protein forms I220V.
Identifiers: ClinVar variation 3602098 (VCV003602098.3), dbSNP rs144359241.

ClinVar aggregate classification (germline): Uncertain significance. Review status: criteria provided, single submitter (1 of 4 stars). 2 submissions from 2 submitters: Uncertain significance (1). 1 of the submissions does not count toward it. Last evaluated 2024-05-03.

Conditions:
PMM2-congenital disorder of glycosylation. Also called: Congenital disorder of glycosylation, type Ia; PMM2-CDG; JAEKEN SYNDROME; PHOSPHOMANNOMUTASE 2 DEFICIENCY; CARBOHYDRATE-DEFICIENT GLYCOPROTEIN SYNDROME, TYPE Ia; CDG Ia. Identifiers: Orphanet 79318, MedGen C0349653, MONDO:0008907, OMIM 212065.

gnomAD v4.1: 1 of 1,613,682 alleles (0.000062%); highest among the groups gnomAD compares: Non-Finnish European, 0.000085%; no homozygotes.

Submissions (2):

Blueprint Genetics
Classification: Uncertain significance. Last evaluated: 2024-05-03. Review status: criteria provided, single submitter. Criteria: ACMG Guidelines, 2015. Collection method: clinical testing. Allele origin: germline.

DiNA Science
Classification: Likely pathogenic for PMM2-congenital disorder of glycosylation. Last evaluated: 2025-01-14. Review status: no assertion criteria provided. Collection method: clinical testing. Allele origin: maternal. Inheritance: Autosomal recessive inheritance. Affected: yes. Observed: 1 compound heterozygote. Not counted in ClinVar's aggregate classification.
Comment: Furthermore, this variant is located in a mutational hot-spot and the majority of the consulted predictors indicate a deleterious effect. The variant is found in the GnomAD common variant database with an allele frequency of 0.000398%. The laboratory classifies this variant as likely pathogenic.